The following is an entry in ClinVar:

ClinVar aggregate classification (germline): Uncertain significance (1 of 4 stars; one submission).

Conditions:
Tuberous sclerosis 2 (TSC2). Identifiers: Orphanet 805, MedGen C1860707, MONDO:0013199, OMIM 613254.

Allele frequency attached by ClinVar (database versions not stated): TOPMed below 0.00001.

Submission:

Labcorp Genetics (formerly Invitae), Labcorp
Classification: Uncertain significance for Tuberous sclerosis 2. Last evaluated: 2022-06-27. Review status: criteria provided, single submitter. Criteria: Invitae Variant Classification Sherloc (09022015). Collection method: clinical testing. Allele origin: germline.
Comment: In summary, the available evidence is currently insufficient to determine the role of this variant in disease. Therefore, it has been classified as a Variant of Uncertain Significance. Algorithms developed to predict the effect of missense changes on protein structure and function are either unavailable or do not agree on the potential impact of this missense change (SIFT: "Deleterious"; PolyPhen-2: "Probably Damaging"; Align-GVGD: "Class C0"). This variant has not been reported in the literature in individuals affected with TSC2-related conditions. This variant is not present in population databases (gnomAD no frequency). This sequence change replaces glutamic acid, which is acidic and polar, with glycine, which is neutral and non-polar, at codon 157 of the TSC2 protein (p.Glu157Gly).

NM_000548.5(TSC2):c.470A>G (p.Glu157Gly)

Gene: TSC2 (TSC complex subunit 2; plus strand). Cytogenetic location: 16p13.3.
Variant type: single nucleotide variant.
Coding change: c.470A>G on transcript NM_000548.5 (MANE Select); coding-DNA position 470, A replaced by G.
Protein change: p.Glu157Gly; replaces glutamic acid 157 with glycine.
Molecular consequence: missense variant. On other transcripts: intron variant (1).
Genome position (GRCh38, 1-based): chr16:2,054,429, A>G. VCF-style: chr16-2054429-A-G. GRCh37 (hg19) VCF-style: chr16-2104430-A-G.
Other names: c.470A>G, p.Glu157Gly (NM_001077183.3, NM_001114382.3, NM_001363528.2 and 3 more transcripts); c.359A>G, p.Glu120Gly (NM_001318827.2); c.323A>G, p.Glu108Gly (NM_001318829.2); c.503A>G, p.Glu168Gly (NM_001318832.2); c.-1-1767A>G (NM_001318831.2); short protein forms E157G, E108G, E120G, E168G.
Identifiers: ClinVar variation 1487289 (VCV001487289.8), dbSNP rs2085514800, ClinGen allele CA394308543.